The following is an entry in ClinVar:

NM_014991.6(WDFY3):c.7493A>G (p.Asp2498Gly)

Gene: WDFY3 (WD repeat and FYVE domain containing 3; minus strand). Cytogenetic location: 4q21.23.
Variant type: single nucleotide variant.
Coding change: c.7493A>G on transcript NM_014991.6 (MANE Select); coding-DNA position 7493, A replaced by G.
Protein change: p.Asp2498Gly; replaces aspartic acid 2498 with glycine.
Molecular consequence: missense variant.
Genome position (GRCh38, 1-based): chr4:84,721,521, T>C on the plus strand (A>G on the coding strand, the complement: WDFY3 is on the minus strand). VCF-style: chr4-84721521-T-C. GRCh37 (hg19) VCF-style: chr4-85642674-T-C.
Other names: short protein forms D2498G.
Identifiers: ClinVar variation 4071827 (VCV004071827.1).

ClinVar aggregate classification (germline): Uncertain significance (1 of 4 stars; one submission).

Submission:

GeneDx
Classification: Uncertain significance. Last evaluated: 2025-01-22. Review status: criteria provided, single submitter. Criteria: GeneDx Variant Classification Process June 2021. Collection method: clinical testing. Allele origin: germline. Affected: yes.
Comment: Not observed at significant frequency in large population cohorts (gnomAD); In silico analysis supports that this missense variant has a deleterious effect on protein structure/function; Has not been previously published as pathogenic or benign to our knowledge